The following is an entry in ClinVar:

ClinVar aggregate classification (germline): Pathogenic (1 of 4 stars; one submission).

Submission:

Labcorp Genetics (formerly Invitae), Labcorp
Classification: Pathogenic. Last evaluated: 2020-12-23. Review status: criteria provided, single submitter. Criteria: Invitae Variant Classification Sherloc (09022015). Collection method: clinical testing. Allele origin: germline.
Comment: This sequence change creates a premature translational stop signal (p.Cys454*) in the FZD4 gene. While this is not anticipated to result in nonsense mediated decay, it is expected to disrupt the last 84 amino acid(s) of the FZD4 protein. For these reasons, this variant has been classified as Pathogenic. This variant disrupts the C-terminus of the FZD4 protein. Other variant(s) that disrupt this region (p.Thr503Valfs*31) have been determined to be pathogenic (PMID: 21097938, 25711638, 26530129). This suggests that variants that disrupt this region of the protein are likely to be causative of disease. This variant has been observed in individual(s) with familial exudative vitreoretinopathy (Invitae). This variant is not present in population databases (ExAC no frequency).

Literature cited by the submitters: PubMed 21097938; PubMed 25711638; PubMed 26530129.

NM_012193.4(FZD4):c.1362T>A (p.Cys454Ter)

Genes: FZD4 (frizzled class receptor 4; minus strand), PRSS23 (serine protease 23; plus strand). Cytogenetic location: 11q14.2.
Variant type: single nucleotide variant.
Coding change: c.1362T>A on transcript NM_012193.4 (MANE Select); coding-DNA position 1362, T replaced by A.
Protein change: p.Cys454Ter; replaces cysteine 454 with a stop codon.
Molecular consequence: nonsense. On other transcripts: non-coding transcript variant (2).
Genome position (GRCh38, 1-based): chr11:86,951,394, A>T on the plus strand (T>A on the coding strand, the complement: FZD4 is on the minus strand). VCF-style: chr11-86951394-A-T. GRCh37 (hg19) VCF-style: chr11-86662436-A-T.
Other names: short protein forms C454*.
Identifiers: ClinVar variation 1407085 (VCV001407085.8), dbSNP rs2135040093, ClinGen allele CA382011533.